The following is an entry in ClinVar:

ClinVar aggregate classification (germline): Uncertain significance (1 of 4 stars; one submission).

gnomAD v4.1: 1 of 1,614,088 alleles (0.000062%); highest among the groups gnomAD compares: Non-Finnish European, 0.000085%; no homozygotes.

Submission:

Ambry Genetics
Classification: Uncertain significance. Last evaluated: 2026-05-16. Review status: criteria provided, single submitter. Criteria: Ambry Variant Classification Scheme 2023. Collection method: clinical testing. Allele origin: germline.
Comment: The p.P416S variant (also known as c.1246C>T), located in coding exon 1 of the TET2 gene, results from a C to T substitution at nucleotide position 1246. The proline at codon 416 is replaced by serine, an amino acid with similar properties. This amino acid position is conserved. In addition, this alteration is predicted to be tolerated by in silico analysis. Based on the available evidence, the clinical significance of this variant remains unclear.

NM_001127208.3(TET2):c.1246C>T (p.Pro416Ser)

Genes: TET2 (tet methylcytosine dioxygenase 2; plus strand), TET2-AS1 (TET2 antisense RNA 1; minus strand). Cytogenetic location: 4q24.
Variant type: single nucleotide variant.
Coding change: c.1246C>T on transcript NM_001127208.3 (MANE Select); coding-DNA position 1246, C replaced by T.
Protein change: p.Pro416Ser; replaces proline 416 with serine.
Molecular consequence: missense variant.
Genome position (GRCh38, 1-based): chr4:105,235,188, C>T. VCF-style: chr4-105235188-C-T. GRCh37 (hg19) VCF-style: chr4-106156345-C-T.
Other names: c.1246C>T, p.Pro416Ser (NM_017628.4); short protein forms P416S.
Identifiers: ClinVar variation 4865579 (VCV004865579.1).